The following is an entry in ClinVar:

NM_015231.3(NUP160):c.1759A>T (p.Met587Leu)

Gene: NUP160 (nucleoporin 160; minus strand). Cytogenetic location: 11p11.2.
Variant type: single nucleotide variant.
Coding change: c.1759A>T on transcript NM_015231.3 (MANE Select); coding-DNA position 1759, A replaced by T.
Protein change: p.Met587Leu; replaces methionine 587 with leucine.
Molecular consequence: missense variant. On other transcripts: non-coding transcript variant (1).
Genome position (GRCh38, 1-based): chr11:47,812,973, T>A on the plus strand (A>T on the coding strand, the complement: NUP160 is on the minus strand). VCF-style: chr11-47812973-T-A. GRCh37 (hg19) VCF-style: chr11-47834525-T-A.
Other names: short protein forms M587L.
Identifiers: ClinVar variation 5003122 (VCV005003122.1).

ClinVar aggregate classification (germline): Uncertain significance (1 of 4 stars; one submission).

Conditions:
Nephrotic syndrome, type 19. Identifiers: MedGen C4748552, MONDO:0032582, OMIM 618178.

Submission:

OLLIN Analises Genomicas, OLLIN
Classification: Uncertain significance for Nephrotic syndrome, type 19. Last evaluated: 2026-08-06. Review status: criteria provided, single submitter. Criteria: ACMG Guidelines 2015 PMID 25741868. Collection method: clinical testing. Allele origin: germline.
Comment: This missense variant, located in exon 15 (of 36), is absent from gnomAD and ClinVar and has not been identified in the literature. In silico analysis predicts that this variant has a tolerated effect. According to the currently available evidence, this variant has been classified as uncertain significance (PM2_P, BP4_M).